The following is an entry in ClinVar:

ClinVar aggregate classification (germline): Uncertain significance. Review status: criteria provided, multiple submitters, no conflicts (2 of 4 stars). 2 submissions from 2 submitters: Uncertain significance (2). Last evaluated 2026-09-01.

Allele frequency attached by ClinVar (database versions not stated): ExAC 0.00001; gnomAD 0.00001; TOPMed 0.00002; gnomAD exomes 0.00004.
gnomAD v4.1: 60 of 1,613,638 alleles (0.0037%); highest among the groups gnomAD compares: Non-Finnish European, 0.0045%; no homozygotes.

Submissions (2):

CeGaT Center for Human Genetics Tuebingen
Classification: Uncertain significance. Last evaluated: 2026-09-01. Review status: criteria provided, single submitter. Criteria: CeGaT Center For Human Genetics Tuebingen Variant Classification Criteria Version 2. Collection method: clinical testing. Allele origin: germline. Affected: yes. Observed: 1 variant allele.
Comment: NEK1: PM2

GeneDx
Classification: Uncertain significance. Last evaluated: 2022-09-12. Review status: criteria provided, single submitter. Criteria: GeneDx Variant Classification Process June 2021. Collection method: clinical testing. Allele origin: germline. Affected: yes.
Comment: Not observed at significant frequency in large population cohorts (gnomAD); In silico analysis supports that this missense variant has a deleterious effect on protein structure/function; Has not been previously published as pathogenic or benign to our knowledge

NM_001199397.3(NEK1):c.1328A>G (p.Tyr443Cys)

Gene: NEK1 (NIMA related kinase 1; minus strand). Cytogenetic location: 4q33.
Variant type: single nucleotide variant.
Coding change: c.1328A>G on transcript NM_001199397.3 (MANE Select); coding-DNA position 1328, A replaced by G.
Protein change: p.Tyr443Cys; replaces tyrosine 443 with cysteine.
Molecular consequence: missense variant. On other transcripts: non-coding transcript variant (1).
Genome position (GRCh38, 1-based): chr4:169,556,034, T>C on the plus strand (A>G on the coding strand, the complement: NEK1 is on the minus strand). VCF-style: chr4-169556034-T-C. GRCh37 (hg19) VCF-style: chr4-170477185-T-C.
Other names: c.1328A>G, p.Tyr443Cys (NM_001199398.3, NM_001199400.3, NM_001374418.1 and 2 more transcripts); c.1253A>G, p.Tyr418Cys (NM_001199399.3); c.1277A>G, p.Tyr426Cys (NM_001374420.1); c.1202A>G, p.Tyr401Cys (NM_001374421.1); short protein forms Y401C, Y418C, Y426C, Y443C.
Identifiers: ClinVar variation 2443669 (VCV002443669.2), dbSNP rs751815116, ClinGen allele CA3137767.
Genomic context (GRCh38, chr4:169,556,034, plus strand): 5'-GCTTCATTATCTTCTGCTCTTTGTTGCTGCATTTGGTCAAAAATGGCATGGTAATGTTCA[T>C]ACTGTCCTCGAGAAGAAAAAGATGATGGAGCTATAGTCCCTCCACTGCCCAGAAAAGGAG-3'
Protein context (NP_001186326.1, residues 433-453): APSSFSSRGQ[Tyr443Cys]EHYHAIFDQM